The following is an entry in ClinVar:

NM_014159.7(SETD2):c.2783C>G (p.Thr928Arg)

Gene: SETD2 (SET domain containing 2, histone lysine methyltransferase; minus strand). Cytogenetic location: 3p21.31.
Variant type: single nucleotide variant.
Coding change: c.2783C>G on transcript NM_014159.7 (MANE Select); coding-DNA position 2783, C replaced by G.
Protein change: p.Thr928Arg; replaces threonine 928 with arginine.
Molecular consequence: missense variant. On other transcripts: non-coding transcript variant (1).
Genome position (GRCh38, 1-based): chr3:47,121,853, G>C on the plus strand (C>G on the coding strand, the complement: SETD2 is on the minus strand). VCF-style: chr3-47121853-G-C. GRCh37 (hg19) VCF-style: chr3-47163343-G-C.
Other names: c.2651C>G, p.Thr884Arg (NM_001349370.3); short protein forms T928R, T884R.
Identifiers: ClinVar variation 135222 (VCV000135222.43), dbSNP rs72895708, ClinGen allele CA162059.

ClinVar aggregate classification (germline): Benign/Likely benign. Review status: criteria provided, multiple submitters, no conflicts (2 of 4 stars). 8 submissions from 8 submitters: Benign (5); Likely benign (2). 1 of the submissions does not count toward it. Last evaluated 2026-06-01.

Conditions:
Luscan-Lumish syndrome. Identifiers: Orphanet 597738, MedGen C4085873, MONDO:0014791, OMIM 616831.

Allele frequency attached by ClinVar (database versions not stated): gnomAD exomes 0.00069 and 0.00032; gnomAD 0.00219 and 0.00228; ESP Exome Variant Server 0.00231; TOPMed 0.00246; 1000 Genomes Project 0.00359; 1000 Genomes Project 30x 0.00422; ExAC 0.00069.
gnomAD v4.1: 816 of 1,613,894 alleles (0.051%); highest among the groups gnomAD compares: African/African-American, 0.81%; 5 homozygotes.

Submissions (8):

CeGaT Center for Human Genetics Tuebingen
Classification: Likely benign. Last evaluated: 2026-06-01. Review status: criteria provided, single submitter. Criteria: CeGaT Center For Human Genetics Tuebingen Variant Classification Criteria Version 2. Collection method: clinical testing. Allele origin: germline. Affected: yes. Observed: 6 variant alleles.
Comment: SETD2: BP4, BS1

Labcorp Genetics (formerly Invitae), Labcorp
Classification: Benign for Luscan-Lumish syndrome. Last evaluated: 2025-10-26. Review status: criteria provided, single submitter. Criteria: Invitae Variant Classification Sherloc (09022015). Collection method: clinical testing. Allele origin: germline.

Blueprint Genetics
Classification: Likely benign. Last evaluated: 2024-11-22. Review status: criteria provided, single submitter. Criteria: ACMG Guidelines, 2015. Collection method: clinical testing. Allele origin: germline.

Genome-Nilou Lab
Classification: Benign for Luscan-Lumish syndrome. Last evaluated: 2022-03-15. Review status: criteria provided, single submitter. Criteria: ACMG Guidelines, 2015. Collection method: clinical testing. Allele origin: germline. Affected: no.

GeneDx
Classification: Benign. Last evaluated: 2020-11-06. Review status: criteria provided, single submitter. Criteria: GeneDx Variant Classification Process June 2021. Collection method: clinical testing. Allele origin: germline. Affected: yes.

Genetic Services Laboratory, University of Chicago
Classification: Benign. Last evaluated: 2018-06-12. Review status: criteria provided, single submitter. Criteria: ACMG Guidelines, 2015. Collection method: clinical testing. Allele origin: germline. Affected: no.

Breakthrough Genomics
Classification: Benign. Review status: criteria provided, single submitter. Criteria: ACMG Guidelines, 2015. Collection method: not provided. Allele origin: germline. Inheritance: Autosomal dominant inheritance. Affected: yes.

ITMI
No classification provided. Condition: AllHighlyPenetrant. Last evaluated: 2013-09-19. Review status: no classification provided. Collection method: reference population. Allele origin: germline. Not counted in ClinVar's aggregate classification.
Comment: Please see associated publication for description of ethnicities

Literature cited by the submitters: PubMed 24728327 (cited by ITMI).